The following is an entry in ClinVar:

ClinVar aggregate classification (germline): Uncertain significance (1 of 4 stars; one submission).

Conditions:
Joubert syndrome 20 (JBTS20). Identifiers: Orphanet 475, MedGen C3554235, MONDO:0013994, OMIM 614970.
Meckel syndrome, type 11 (MKS11). Identifiers: Orphanet 564, MedGen C3809352, MONDO:0014164, OMIM 615397.

Submission:

Labcorp Genetics (formerly Invitae), Labcorp
Classification: Uncertain significance for Joubert syndrome 20; Meckel syndrome, type 11. Last evaluated: 2017-06-07. Review status: criteria provided, single submitter. Criteria: Invitae Variant Classification Sherloc (09022015). Collection method: clinical testing. Allele origin: germline.
Comment: This variant is a gross duplication of the genomic region encompassing exons 4-6 of the TMEM231 gene. The 5' boundary is likely confined to intron 3. The 3' end of this event is unknown as it extends beyond the assayed region for this gene and therefore may encompass additional genes. The exact genomic location of this variant is unknown. Gross duplications have not been reported in the literature in individuals with a TMEM231-related disease. In summary, this variant has uncertain impact on TMEM231 function. The available evidence is currently insufficient to determine its role in disease. Therefore, it has been classified as a Variant of Uncertain Significance.

Single allele

Gene: TMEM231 (transmembrane protein 231; minus strand). Cytogenetic location: 16q23.1.
Variant type: Duplication.
Identifiers: ClinVar variation 473318 (VCV000473318.1).